The following is an entry in ClinVar:

ClinVar aggregate classification (germline): Likely pathogenic (1 of 4 stars; one submission).

Conditions:
Dyskeratosis congenita, autosomal recessive 6 (DKCB6). Identifiers: MedGen C4225356, MONDO:0014600, OMIM 616353.
Pulmonary fibrosis and/or bone marrow failure, Telomere-related, 4. Also called: PULMONARY FIBROSIS AND/OR BONE MARROW FAILURE SYNDROME, TELOMERE-RELATED, 4. Identifiers: Orphanet 2032, MedGen C4225347, MONDO:0014612, OMIM 616371.

Submission:

Labcorp Genetics (formerly Invitae), Labcorp
Classification: Likely pathogenic for Dyskeratosis congenita, autosomal recessive 6; Pulmonary fibrosis and/or bone marrow failure, Telomere-related, 4. Last evaluated: 2022-08-15. Review status: criteria provided, single submitter. Criteria: Invitae Variant Classification Sherloc (09022015). Collection method: clinical testing. Allele origin: germline.
Comment: In summary, the currently available evidence indicates that the variant is pathogenic, but additional data are needed to prove that conclusively. Therefore, this variant has been classified as Likely Pathogenic. This variant has not been reported in the literature in individuals affected with PARN-related conditions. This variant results in a copy number gain of the genomic region encompassing exon(s) 6 of the PARN gene. While the exact position of this variant cannot be determined from the data, sub-genic copy number gains are generally in tandem (PMID: 25640679). This variant is predicted to be out-of-frame, and may result in an absent or disrupted protein product. Loss-of-function variants in PARN are known to be pathogenic (PMID: 9736620, 25848748, 26810774).

Literature cited by the submitters: PubMed 25640679; PubMed 9736620; PubMed 25848748; PubMed 26810774.

NC_000016.9:g.(?_14711427)_(14711527_?)dup

Gene: PARN (poly(A)-specific ribonuclease; minus strand). Cytogenetic location: 16p13.12.
Variant type: Duplication.
Identifiers: ClinVar variation 1507757 (VCV001507757.9).